The following is an entry in ClinVar:

NM_020937.4(FANCM):c.5827G>C (p.Asp1943His)

Gene: FANCM (FA complementation group M; plus strand). Cytogenetic location: 14q21.2.
Variant type: single nucleotide variant.
Coding change: c.5827G>C on transcript NM_020937.4 (MANE Select); coding-DNA position 5827, G replaced by C.
Protein change: p.Asp1943His; replaces aspartic acid 1943 with histidine.
Molecular consequence: missense variant.
Genome position (GRCh38, 1-based): chr14:45,198,754, G>C. VCF-style: chr14-45198754-G-C. GRCh37 (hg19) VCF-style: chr14-45667957-G-C.
Other names: c.5749G>C, p.Asp1917His (NM_001308133.2); short protein forms D1917H, D1943H.
Identifiers: ClinVar variation 3512924 (VCV003512924.1).
Genomic context (GRCh38, chr14:45,198,754, plus strand): 5'-ACTACCTTAATTGGCGCTGGAATCCGAATTCTTTTCAGTTCCTGCCAAGAAGAAACCGCA[G>C]ATTTGCTAAAGGAACTGTCTTTAGTGGAACAAAGAAAGAATGTTGGTATTCATGTTCCAA-3'
Protein context (NP_065988.1, residues 1933-1953): LFSSCQEETA[Asp1943His]LLKELSLVEQ

ClinVar aggregate classification (germline): Uncertain significance (1 of 4 stars; one submission).

Conditions:
Inborn genetic diseases. Identifiers: MedGen C0950123, MeSH D030342.

gnomAD v4.1: 29 of 1,614,016 alleles (0.0018%); highest among the groups gnomAD compares: Non-Finnish European, 0.0025%; no homozygotes.

Submission:

Ambry Genetics
Classification: Uncertain significance for Inborn genetic diseases. Last evaluated: 2024-11-25. Review status: criteria provided, single submitter. Criteria: Ambry Variant Classification Scheme 2023. Collection method: clinical testing. Allele origin: germline.
Comment: The p.D1943H variant (also known as c.5827G>C), located in coding exon 22 of the FANCM gene, results from a G to C substitution at nucleotide position 5827. The aspartic acid at codon 1943 is replaced by histidine, an amino acid with similar properties. This amino acid position is conserved. In addition, this alteration is predicted to be tolerated by in silico analysis. Based on the available evidence, the clinical significance of this variant remains unclear.